The following is an entry in ClinVar:

NM_001267550.2(TTN):c.100447G>C (p.Glu33483Gln)

Genes: TTN (titin; minus strand), TTN-AS1 (TTN antisense RNA 1; plus strand). Cytogenetic location: 2q31.2.
Variant type: single nucleotide variant.
Coding change: c.100447G>C on transcript NM_001267550.2 (MANE Select); coding-DNA position 100447, G replaced by C.
Protein change: p.Glu33483Gln; replaces glutamic acid 33483 with glutamine.
Molecular consequence: missense variant.
Genome position (GRCh38, 1-based): chr2:178,536,300, C>G on the plus strand (G>C on the coding strand, the complement: TTN is on the minus strand). VCF-style: chr2-178536300-C-G. GRCh37 (hg19) VCF-style: chr2-179401027-C-G.
Other names: p.E31842Q:GAA>CAA; p.Glu30915Gln; c.100447G>C (LRG_391t1); c.95524G>C, p.Glu31842Gln (NM_001256850.1); c.73252G>C, p.Glu24418Gln (NM_003319.4); c.92743G>C, p.Glu30915Gln (NM_133378.4); c.73627G>C, p.Glu24543Gln (NM_133432.3); c.73828G>C, p.Glu24610Gln (NM_133437.4); short protein forms E31842Q, E33483Q, E30915Q, E24418Q, E24543Q, E24610Q.
Identifiers: ClinVar variation 203056 (VCV000203056.55), dbSNP rs368321767, ClinGen allele CA311106.

ClinVar aggregate classification (germline): Conflicting classifications of pathogenicity. Review status: criteria provided, conflicting classifications (1 of 4 stars). 24 submissions from 20 submitters: Uncertain significance (13); Benign (2); Likely benign (5). 4 of the submissions do not count toward it. Last evaluated 2025-11-09.

Conditions:
TTN-related disorder. Also called: TTN-related condition; TTN-related disease; TTN-related disorders.
Cardiovascular phenotype. Identifiers: MedGen CN230736.
Autosomal recessive limb-girdle muscular dystrophy type 2J (LGMDR10). Also called: Limb-girdle muscular dystrophy, type 2J; MUSCULAR DYSTROPHY, LIMB-GIRDLE, AUTOSOMAL RECESSIVE 10. Identifiers: Orphanet 140922, MedGen C1837342, MONDO:0012127, OMIM 608807.
Dilated cardiomyopathy 1G (CMD1G). Identifiers: Orphanet 154, MedGen C1858763, MONDO:0011400, OMIM 604145.
Early-onset myopathy with fatal cardiomyopathy (CMYO5). Also called: Salih Myopathy; CONGENITAL MYOPATHY 5 WITH CARDIOMYOPATHY. Identifiers: Orphanet 289377, MedGen C2673677, MONDO:0012714, OMIM 611705. Disease mechanism: loss of function.
Myopathy, myofibrillar, 9, with early respiratory failure (MFM9). Also called: EDSTROM MYOPATHY; MYOPATHY, PROXIMAL, WITH EARLY RESPIRATORY MUSCLE INVOLVEMENT; Myopathy, distal, with early respiratory failure, autosomal dominant; Hereditary myopathy with early respiratory failure. Identifiers: Orphanet 178464, Orphanet 34521, MedGen C1863599, MONDO:0011362, OMIM 603689.
Tibial muscular dystrophy (TMD). Also called: Tibial muscular dystrophy, tardive; UDD MYOPATHY; Udd Distal Myopathy – Tibial Muscular Dystrophy. Identifiers: Orphanet 609, MedGen C1838244, MONDO:0010870, OMIM 600334.
Hypertrophic cardiomyopathy 9. Also called: Familial hypertrophic cardiomyopathy 9. Identifiers: MedGen C1861065, MONDO:0013412, OMIM 613765.
Cardiomyopathy (CMYO). Also called: Cardiomyopathies. Identifiers: Orphanet 167848, MedGen C0878544, MONDO:0004994, HP:0001638. Inheritance: Various modes of inheritance.
Generalized hypotonia. Identifiers: MedGen C1858120, HP:0001290.
Delayed speech and language development. Also called: Language delay. Identifiers: MedGen C0454644, HP:0000750.
Abnormal speech pattern. Also called: Neurological speech impairment; Speech impairment. Identifiers: MedGen C3687424, HP:0002167.
Abnormality of eye movement. Identifiers: MedGen C0497202, HP:0000496.
Hypotonia. Also called: Muscular hypotonia; poor muscle tone. Identifiers: MedGen C0026827, HP:0001252.
Delayed gross motor development. Identifiers: MedGen C1837658, HP:0002194.

Allele frequency attached by ClinVar (database versions not stated): ESP Exome Variant Server 0.00017; gnomAD 0.00019; gnomAD exomes 0.00019 and 0.00032; TOPMed 0.00021; ExAC 0.00024.
gnomAD v4.1: 490 of 1,613,558 alleles (0.03%); highest among the groups gnomAD compares: Non-Finnish European, 0.039%; no homozygotes.

Submissions 1 to 14 of 24:

Mayo Clinic Laboratories, Mayo Clinic
Classification: Uncertain significance. Last evaluated: 2025-11-09. Review status: criteria provided, single submitter. Criteria: ACMG Guidelines, 2015. Collection method: clinical testing. Allele origin: germline. Observed: 3 variant alleles.

PreventionGenetics, part of Exact Sciences
Classification: Likely benign for TTN-related condition. Last evaluated: 2025-10-02. Review status: criteria provided, single submitter. Criteria: ACMG Guidelines, 2015. Collection method: clinical testing. Allele origin: germline.
Comment: This variant is classified as likely benign based on ACMG/AMP sequence variant interpretation guidelines (Richards et al. 2015 PMID: 25741868, with internal and published modifications).

Molecular Diagnostic Laboratory for Inherited Cardiovascular Disease, Montreal Heart Institute
Classification: Likely benign. Last evaluated: 2025-07-24. Review status: criteria provided, single submitter. Criteria: ACMG Guidelines, 2015. Collection method: clinical testing. Allele origin: germline. Affected: no.
Comment: BP1

Athena Diagnostics
Classification: Uncertain significance. Last evaluated: 2025-06-27. Review status: criteria provided, single submitter. Criteria: Athena Diagnostics Criteria. Collection method: clinical testing. Allele origin: unknown.
Comment: Available data are insufficient to determine the clinical significance of the variant at this time. The frequency of this variant in the general population is higher than would generally be expected for pathogenic variants in this gene. Polyphen and MutationTaster predict this amino acid change may be benign.

Blueprint Genetics
Classification: Likely benign. Last evaluated: 2024-10-17. Review status: criteria provided, single submitter. Criteria: ACMG Guidelines, 2015. Collection method: clinical testing. Allele origin: germline.

CeGaT Center for Human Genetics Tuebingen
Classification: Uncertain significance. Last evaluated: 2023-10-01. Review status: criteria provided, single submitter. Criteria: CeGaT Center For Human Genetics Tuebingen Variant Classification Criteria Version 2. Collection method: clinical testing. Allele origin: germline. Affected: yes. Observed: 1 variant allele.
Comment: TTN: PM2, BP4

CHEO Genetics Diagnostic Laboratory, Children's Hospital of Eastern Ontario
Classification: Likely benign for Cardiomyopathy. Last evaluated: 2023-05-16. Review status: criteria provided, single submitter. Criteria: ACMG Guidelines, 2015. Collection method: clinical testing. Allele origin: germline.

Revvity Omics, Revvity
Classification: Uncertain significance. Last evaluated: 2023-03-24. Review status: criteria provided, single submitter. Criteria: ACMG Guidelines, 2015. Collection method: clinical testing. Allele origin: germline.

Women's Health and Genetics/Laboratory Corporation of America, LabCorp
Classification: Uncertain significance. Last evaluated: 2022-08-08. Review status: criteria provided, single submitter. Criteria: LabCorp Variant Classification Summary - May 2015. Collection method: clinical testing. Allele origin: germline.
Comment: Variant summary: TTN c.92743G>C (p.Glu30915Gln) results in a conservative amino acid change located in the A band of the encoded protein sequence. Three of four in-silico tools predict a benign effect of the variant on protein function. The variant allele was found at a frequency of 0.00019 in 248440 control chromosomes, predominantly at a frequency of 0.00036 within the Non-Finnish European subpopulation in the gnomAD database. This frequency is not significantly higher than expected for a pathogenic variant in TTN causing Dilated Cardiomyopathy (0.00019 vs 0.00039), allowing no conclusion about variant significance. c.92743G>C has been reported in the literature as a VUS in settings of multigene panel testing and whole exome sequencing in individuals affected with various cardiomyopathies and in at least two cases of sudden cardiac death (e.g. Santori_2015, Nunn_2016, Forleo_2017, Minoche_2019). These report(s) do not provide unequivocal conclusions about association of the variant with Dilated Cardiomyopathy. To our knowledge, no experimental evidence demonstrating an impact on protein function has been reported. Nine clinical submitters have provided clinical-significance assessments for this variant to ClinVar after 2014. Most classified the variant as VUS (n=7), and two classified the variant as benign (n=1) or likely benign (n=1). Based on the evidence outlined above, the variant was classified as uncertain significance.

GeneDx
Classification: Likely benign. Last evaluated: 2021-05-11. Review status: criteria provided, single submitter. Criteria: GeneDx Variant Classification Process June 2021. Collection method: clinical testing. Allele origin: germline. Affected: yes.
Comment: This variant is associated with the following publications: (PMID: 26272908)

Knight Diagnostic Laboratories, Oregon Health and Sciences University
Classification: Uncertain significance for Delayed gross motor development; Delayed speech and language development; Generalized hypotonia; Abnormal speech pattern; Abnormality of eye movement; Hypotonia. Last evaluated: 2019-03-04. Review status: criteria provided, single submitter. Criteria: ACMG Guidelines, 2015. Collection method: clinical testing. Allele origin: germline. Observed: 1 variant allele.

Fulgent Genetics
Classification: Uncertain significance for Tibial muscular dystrophy; Myopathy, myofibrillar, 9, with early respiratory failure; Dilated cardiomyopathy 1G; Autosomal recessive limb-girdle muscular dystrophy type 2J; Early-onset myopathy with fatal cardiomyopathy; Hypertrophic cardiomyopathy 9. Last evaluated: 2018-10-31. Review status: criteria provided, single submitter. Criteria: ACMG Guidelines, 2015. Collection method: clinical testing. Allele origin: unknown.

Ambry Genetics
Classification: Uncertain significance for Cardiovascular phenotype. Last evaluated: 2018-09-19. Review status: criteria provided, single submitter. Criteria: Ambry Variant Classification Scheme 2023. Collection method: clinical testing. Allele origin: germline.
Comment: The p.E24418Q variant (also known as c.73252G>C), located in coding exon 184 of the TTN gene, results from a G to C substitution at nucleotide position 73252. The glutamic acid at codon 24418 is replaced by glutamine, an amino acid with highly similar properties. This variant was reported in a sudden unexplained death case with additional cardiac-related variants (as NM_001256850.1:c.95524G>C p.E31842Q in Santori M et al. Arch. Dis. Child., 2015 Oct;100:952-6). This amino acid position is not well conserved in available vertebrate species, and glutamine is the reference amino acid in other vertebrate species. In addition, this alteration is predicted to be tolerated by in silico analysis. Since supporting evidence is limited at this time, the clinical significance of this variant remains unclear.

Eurofins Ntd Llc (ga)
Classification: Uncertain significance. Last evaluated: 2018-07-30. Review status: criteria provided, single submitter. Criteria: EGL ClinVar v180209 classification definitions. Collection method: clinical testing. Allele origin: germline. Observed: 3 variant alleles, 3 heterozygotes.